The following is an entry in ClinVar:

ClinVar aggregate classification (germline): Uncertain significance (1 of 4 stars; one submission).

Conditions:
Cardiovascular phenotype. Identifiers: MedGen CN230736.

gnomAD v4.1: 5 of 1,614,014 alleles (0.00031%); no homozygotes.

Submission:

Ambry Genetics
Classification: Uncertain significance for Cardiovascular phenotype. Last evaluated: 2026-08-29. Review status: criteria provided, single submitter. Criteria: Ambry Variant Classification Scheme 2023. Collection method: clinical testing. Allele origin: germline.
Comment: The p.H401Y variant (also known as c.1201C>T), located in coding exon 11 of the ACTN2 gene, results from a C to T substitution at nucleotide position 1201. The histidine at codon 401 is replaced by tyrosine, an amino acid with similar properties. This amino acid position is conserved. In addition, the in silico prediction for this alteration is inconclusive. Based on the available evidence, the clinical significance of this variant remains unclear.

NM_001103.4(ACTN2):c.1201C>T (p.His401Tyr)

Gene: ACTN2 (actinin alpha 2; plus strand). Cytogenetic location: 1q43.
Variant type: single nucleotide variant.
Coding change: c.1201C>T on transcript NM_001103.4 (MANE Select); coding-DNA position 1201, C replaced by T.
Protein change: p.His401Tyr; replaces histidine 401 with tyrosine.
Molecular consequence: missense variant. On other transcripts: non-coding transcript variant (1).
Genome position (GRCh38, 1-based): chr1:236,742,989, C>T. VCF-style: chr1-236742989-C-T. GRCh37 (hg19) VCF-style: chr1-236906289-C-T.
Other names: c.1201C>T, p.His401Tyr (NM_001278343.2); short protein forms H401Y.
Identifiers: ClinVar variation 5032572 (VCV005032572.1).